The following is an entry in ClinVar:

NM_004006.3(DMD):c.6898C>G (p.Leu2300Val)

Gene: DMD (dystrophin; minus strand). Cytogenetic location: Xp21.1.
Variant type: single nucleotide variant.
Coding change: c.6898C>G on transcript NM_004006.3 (MANE Select); coding-DNA position 6898, C replaced by G.
Protein change: p.Leu2300Val; replaces leucine 2300 with valine.
Molecular consequence: missense variant. On other transcripts: 5 prime UTR variant (5).
Genome position (GRCh38, 1-based): chrX:31,929,610, G>C on the plus strand (C>G on the coding strand, the complement: DMD is on the minus strand). VCF-style: chrX-31929610-G-C. GRCh37 (hg19) VCF-style: chrX-31947727-G-C.
Other names: c.6874C>G, p.Leu2292Val (NM_000109.4); c.6886C>G, p.Leu2296Val (NM_004009.3); c.6529C>G, p.Leu2177Val (NM_004010.3); c.2875C>G, p.Leu959Val (NM_004011.4); c.2866C>G, p.Leu956Val (NM_004012.4); c.-483C>G (NM_004013.3, NM_004020.4, NM_004021.3 and 2 more transcripts); short protein forms L2300V, L959V, L2296V, L2177V, L956V, L2292V.
Identifiers: ClinVar variation 1498062 (VCV001498062.8), dbSNP rs2149989112, ClinGen allele CA412657783.

ClinVar aggregate classification (germline): Uncertain significance (1 of 4 stars; one submission).

Conditions:
Duchenne muscular dystrophy (DMD). Also called: Duchenne Muscular Dystrophy (DMD); MUSCULAR DYSTROPHY, PSEUDOHYPERTROPHIC PROGRESSIVE, DUCHENNE TYPE. Identifiers: Orphanet 98896, MedGen C0013264, MONDO:0010679, OMIM 310200.

Submission:

Labcorp Genetics (formerly Invitae), Labcorp
Classification: Uncertain significance for Duchenne muscular dystrophy. Last evaluated: 2021-03-31. Review status: criteria provided, single submitter. Criteria: Invitae Variant Classification Sherloc (09022015). Collection method: clinical testing. Allele origin: germline.
Comment: This variant is not present in population databases (ExAC no frequency). This variant has not been reported in the literature in individuals with DMD-related conditions. Algorithms developed to predict the effect of missense changes on protein structure and function are either unavailable or do not agree on the potential impact of this missense change (SIFT: "Tolerated"; PolyPhen-2: "Possibly Damaging"; Align-GVGD: "Class C0"). In summary, the available evidence is currently insufficient to determine the role of this variant in disease. Therefore, it has been classified as a Variant of Uncertain Significance. This sequence change replaces leucine with valine at codon 2300 of the DMD protein (p.Leu2300Val). The leucine residue is moderately conserved and there is a small physicochemical difference between leucine and valine.